The following is an entry in ClinVar:

ClinVar aggregate classification (germline): Uncertain significance (1 of 4 stars; one submission).

Allele frequency attached by ClinVar (database versions not stated): gnomAD exomes below 0.00001; TOPMed 0.00001; ExAC 0.00002.
gnomAD v4.1: 2 of 1,577,254 alleles (0.00013%); highest among the groups gnomAD compares: Admixed American, 0.0036%; no homozygotes.

Submission:

Labcorp Genetics (formerly Invitae), Labcorp
Classification: Uncertain significance. Last evaluated: 2024-01-17. Review status: criteria provided, single submitter. Criteria: Invitae Variant Classification Sherloc (09022015). Collection method: clinical testing. Allele origin: germline.
Comment: This sequence change replaces glutamine, which is neutral and polar, with arginine, which is basic and polar, at codon 520 of the SLC19A1 protein (p.Gln520Arg). This variant is present in population databases (rs760337198, gnomAD 0.007%). This variant has not been reported in the literature in individuals affected with SLC19A1-related conditions. An algorithm developed to predict the effect of missense changes on protein structure and function (PolyPhen-2) suggests that this variant¬¨‚Ä†is likely to be tolerated. In summary, the available evidence is currently insufficient to determine the role of this variant in disease. Therefore, it has been classified as a Variant of Uncertain Significance.

NM_194255.4(SLC19A1):c.1559A>G (p.Gln520Arg)

Gene: SLC19A1 (solute carrier family 19 member 1; minus strand). Cytogenetic location: 21q22.3.
Variant type: single nucleotide variant.
Coding change: c.1559A>G on transcript NM_194255.4 (MANE Select); coding-DNA position 1559, A replaced by G.
Protein change: p.Gln520Arg; replaces glutamine 520 with arginine.
Molecular consequence: missense variant. On other transcripts: intron variant (2).
Genome position (GRCh38, 1-based): chr21:45,515,875, T>C on the plus strand (A>G on the coding strand, the complement: SLC19A1 is on the minus strand). VCF-style: chr21-45515875-T-C. GRCh37 (hg19) VCF-style: chr21-46935789-T-C.
Other names: c.1439A>G, p.Gln480Arg (NM_001205207.3); c.1205A>G, p.Gln402Arg (NM_001352510.2); c.1559A>G, p.Gln520Arg (NM_001352512.2); c.1294-723A>G (NM_001352511.3, NM_001205206.4); short protein forms Q520R, Q480R, Q402R.
Identifiers: ClinVar variation 2965181 (VCV002965181.2), dbSNP rs760337198, ClinGen allele CA10068260.